The following is an entry in ClinVar:

ClinVar aggregate classification (germline): Pathogenic/Likely pathogenic. Review status: criteria provided, multiple submitters, no conflicts (2 of 4 stars). 2 submissions from 2 submitters: Pathogenic (1); Likely pathogenic (1). Last evaluated 2026-06-01.

Conditions:
Mucopolysaccharidosis, MPS-IV-A (MPS4A). Also called: mucopolysaccharidosis type 4A; GALACTOSAMINE-6-SULFATASE DEFICIENCY; GALNS DEFICIENCY; MPS IVA; Mucopolysaccharidosis type IV A; MORQUIO SYNDROME A. Identifiers: Orphanet 309297, Orphanet 582, MedGen C0086651, MONDO:0009659, OMIM 253000.

Submissions (2):

CeGaT Center for Human Genetics Tuebingen
Classification: Pathogenic. Last evaluated: 2026-06-01. Review status: criteria provided, single submitter. Criteria: CeGaT Center For Human Genetics Tuebingen Variant Classification Criteria Version 2. Collection method: clinical testing. Allele origin: germline. Affected: yes. Observed: 2 variant alleles.
Comment: GALNS: PVS1, PM2, PP4

Laboratory of Diagnosis and Therapy of Lysosomal Disorders, University of Padova
Classification: Likely pathogenic for Mucopolysaccharidosis, MPS-IV-A. Last evaluated: 2021-02-01. Review status: criteria provided, single submitter. Criteria: ACMG Guidelines, 2015. Collection method: curation. Allele origin: germline. Affected: yes.
Comment: Frameshift variant (PVS1_very strong); absent from gnomAD v2.1.1 (PM2_moderate)

Literature cited by the submitters: PubMed 23876334 (cited by Laboratory of Diagnosis and Therapy of Lysosomal Disorders, University of Padova); PubMed 34387910 (cited by Laboratory of Diagnosis and Therapy of Lysosomal Disorders, University of Padova).

NM_000512.5(GALNS):c.1196del (p.Lys399fs)

Gene: GALNS (galactosamine (N-acetyl)-6-sulfatase; minus strand). Cytogenetic location: 16q24.3.
Variant type: Deletion.
Coding change: c.1196del on transcript NM_000512.5 (MANE Select); coding-DNA position 1196, one base deleted (A; older notation c.1196delA).
Protein change: p.Lys399fs; shifts the reading frame from lysine 399.
Molecular consequence: frameshift variant.
Genome position (GRCh38, 1-based): chr16:88,824,813, T deleted on the plus strand (A on the coding strand, the reverse complement: GALNS is on the minus strand); the first of 2 consecutive T bases (chr16:88,824,813-88,824,814); deleting either gives the same sequence. VCF-style (leftmost placement, unchanged base first): chr16-88824812-CT-C. GRCh37 (hg19) VCF-style: chr16-88891220-CT-C.
Other names: c.641del, p.Lys214fs (NM_001323543.2); c.1214del, p.Lys405fs (NM_001323544.2); short protein forms K214fs, K399fs, K405fs.
Identifiers: ClinVar variation 1048328 (VCV001048328.5), dbSNP rs2142993816, ClinGen allele CA916079759.